The following is an entry in ClinVar:

NM_000392.5(ABCC2):c.3414+1G>A

Genes: ABCC2 (ATP binding cassette subfamily C member 2; plus strand), LOC126861013 (CDK7 strongly-dependent group 2 enhancer GRCh37_chr10:101593724-101594923; plus strand). Cytogenetic location: 10q24.2.
Variant type: single nucleotide variant.
Coding change: c.3414+1G>A on transcript NM_000392.5 (MANE Select); the canonical splice donor site of the intron after coding-DNA position 3414, G replaced by A.
Molecular consequence: splice donor variant.
Genome position (GRCh38, 1-based): chr10:99,834,536, G>A. VCF-style: chr10-99834536-G-A. GRCh37 (hg19) VCF-style: chr10-101594293-G-A.
Other names: c.3414+1G>A (NM_000392.4).
Identifiers: ClinVar variation 1066295 (VCV001066295.13), dbSNP rs781481868, ClinGen allele CA5643791.
Genomic context (GRCh38, chr10:99,834,536, plus strand): 5'-GCCACTCCTGTCTTCACCATCATCGTCATTCCTCTTGGCATTATTTATGTATCTGTTCAG[G>A]TAGGTTTGGAAATGGCTAAGTCATCCTTCCTTCCTCTCTATCTATAAAAGCCCAGCCTCT-3'

ClinVar aggregate classification (germline): Likely pathogenic. Review status: criteria provided, multiple submitters, no conflicts (2 of 4 stars). 3 submissions from 3 submitters: Likely pathogenic (2). 1 of the submissions does not count toward it. Last evaluated 2025-06-04.

Conditions:
ABCC2-related disorder. Also called: ABCC2-related condition.

Allele frequency attached by ClinVar (database versions not stated): gnomAD exomes below 0.00001 and 0.00001; ExAC 0.00001.
gnomAD v4.1: 13 of 1,614,122 alleles (0.00081%); highest among the groups gnomAD compares: Middle Eastern, 0.033%; no homozygotes.

Submissions (5):

Dasa
Classification: Likely pathogenic. Last evaluated: 2025-06-04. Review status: criteria provided, single submitter. Criteria: DASA Assertion Criteria. Collection method: clinical testing. Allele origin: germline.
Comment: NM_000392.5(ABCC2):c.3414+1G>A affects a canonical splice site and is predicted to disrupt normal RNA splicing. Loss of function is an established disease mechanism for ABCC2-associated disorders. Also, this variant is rare in population databases. Based on the currently available evidence, this variant is classified as likely pathogenic.

Labcorp Genetics (formerly Invitae), Labcorp
Classification: Likely pathogenic. Last evaluated: 2025-04-25. Review status: criteria provided, single submitter. Criteria: Invitae Variant Classification Sherloc (09022015). Collection method: clinical testing. Allele origin: germline.
Comment: This sequence change affects a donor splice site in intron 24 of the ABCC2 gene. It is expected to disrupt RNA splicing. Variants that disrupt the donor or acceptor splice site typically lead to a loss of protein function (PMID: 16199547), and loss-of-function variants in ABCC2 are known to be pathogenic (PMID: 9185779, 16549534, 16952291). This variant is not present in population databases (gnomAD no frequency). This variant has not been reported in the literature in individuals affected with ABCC2-related conditions. ClinVar contains an entry for this variant (Variation ID: 1066295). Algorithms developed to predict the effect of sequence changes on RNA splicing suggest that this variant may disrupt the consensus splice site. In summary, the currently available evidence indicates that the variant is pathogenic, but additional data are needed to prove that conclusively. Therefore, this variant has been classified as Likely Pathogenic.

PreventionGenetics, part of Exact Sciences
Classification: Likely pathogenic for ABCC2-related condition. Last evaluated: 2024-01-22. Review status: no assertion criteria provided. Collection method: clinical testing. Allele origin: germline. Not counted in ClinVar's aggregate classification.
Comment: The ABCC2 c.3414+1G>A variant is predicted to disrupt the GT donor site and interfere with normal splicing. To our knowledge, this variant has not been reported in the literature. This variant is reported in 0.00088% of alleles in individuals of European (Non-Finnish) descent in gnomAD. Variants that disrupt the consensus splice donor site in ABCC2 are expected to be pathogenic. This variant is interpreted as likely pathogenic.

Dr. Peter K. Rogan Lab, Western University
No classification provided (evidence only). Condition: Colon adenocarcinoma. Review status: no classification provided. Collection method: in vitro. Allele origin: not applicable. Functional consequence: retained intron. Not counted in ClinVar's aggregate classification.

Dr. Peter K. Rogan Lab, Western University
No classification provided (evidence only). Condition: Thyroid cancer, nonmedullary, 1. Review status: no classification provided. Collection method: in vitro. Allele origin: not applicable. Functional consequence: retained intron. Not counted in ClinVar's aggregate classification.

Literature cited by the submitters: PubMed 16199547 (cited by Labcorp Genetics (formerly Invitae), Labcorp); PubMed 9185779 (cited by Labcorp Genetics (formerly Invitae), Labcorp); PubMed 16549534 (cited by Labcorp Genetics (formerly Invitae), Labcorp); PubMed 16952291 (cited by Labcorp Genetics (formerly Invitae), Labcorp).